The following is an entry in ClinVar:

NM_022042.4(SLC26A1):c.301A>G (p.Ser101Gly)

Genes: IDUA (alpha-L-iduronidase; plus strand), SLC26A1 (solute carrier family 26 member 1; minus strand). Cytogenetic location: 4p16.3.
Variant type: single nucleotide variant.
Coding change: c.301A>G on transcript NM_022042.4 (MANE Select); coding-DNA position 301, A replaced by G.
Protein change: p.Ser101Gly; replaces serine 101 with glycine.
Molecular consequence: missense variant. On other transcripts: intron variant (1).
Genome position (GRCh38, 1-based): chr4:991,403, T>C on the plus strand (A>G on the coding strand, the complement: SLC26A1 is on the minus strand). VCF-style: chr4-991403-T-C. GRCh37 (hg19) VCF-style: chr4-985191-T-C.
Other names: c.301A>G, p.Ser101Gly (NM_134425.4, NM_213613.4); c.299+3454T>C (NM_000203.5); short protein forms S101G.
Identifiers: ClinVar variation 1913628 (VCV001913628.5), dbSNP rs2534035212, ClinGen allele CA355958155.

ClinVar aggregate classification (germline): Uncertain significance (1 of 4 stars; one submission).

Allele frequency attached by ClinVar (database versions not stated): gnomAD exomes below 0.00001.
gnomAD v4.1: 4 of 1,612,738 alleles (0.00025%); highest among the groups gnomAD compares: Non-Finnish European, 0.00034%; no homozygotes.

Submission:

Labcorp Genetics (formerly Invitae), Labcorp
Classification: Uncertain significance. Last evaluated: 2023-05-08. Review status: criteria provided, single submitter. Criteria: Invitae Variant Classification Sherloc (09022015). Collection method: clinical testing. Allele origin: germline.
Comment: In summary, the available evidence is currently insufficient to determine the role of this variant in disease. Therefore, it has been classified as a Variant of Uncertain Significance. An algorithm developed to predict the effect of missense changes on protein structure and function (PolyPhen-2) suggests that this variant is likely to be tolerated. ClinVar contains an entry for this variant (Variation ID: 1913628). This variant has not been reported in the literature in individuals affected with SLC26A1-related conditions. This variant is not present in population databases (gnomAD no frequency). This sequence change replaces serine, which is neutral and polar, with glycine, which is neutral and non-polar, at codon 101 of the SLC26A1 protein (p.Ser101Gly).